The following is an entry in ClinVar:

ClinVar aggregate classification (germline): Benign. Review status: criteria provided, multiple submitters, no conflicts (2 of 4 stars). 9 submissions from 9 submitters: Benign (8). 1 of the submissions does not count toward it. Last evaluated 2026-02-04.

Conditions:
Inborn genetic diseases. Identifiers: MedGen C0950123, MeSH D030342.
Intellectual developmental disorder, autosomal recessive 13. Also called: Intellectual disability, autosomal recessive 13. Identifiers: Orphanet 88616, MedGen C2750791, MONDO:0013173, OMIM 613192.

Allele frequency attached by ClinVar (database versions not stated): ESP Exome Variant Server 0.46325; gnomAD exomes 0.46502 and 0.47946; 1000 Genomes Project 0.46665; ExAC 0.46802; TOPMed 0.44369; 1000 Genomes Project 30x 0.45222; gnomAD 0.45974 and 0.46307.
gnomAD v4.1: 770,825 of 1,613,834 alleles (48%); highest among the groups gnomAD compares: East Asian, 52%; 185,901 homozygotes.

Submissions (9):

Labcorp Genetics (formerly Invitae), Labcorp
Classification: Benign. Last evaluated: 2026-02-04. Review status: criteria provided, single submitter. Criteria: Invitae Variant Classification Sherloc (09022015). Collection method: clinical testing. Allele origin: germline.

Blueprint Genetics
Classification: Benign. Last evaluated: 2024-11-27. Review status: criteria provided, single submitter. Criteria: ACMG Guidelines, 2015. Collection method: clinical testing. Allele origin: germline.

Mayo Clinic Laboratories, Mayo Clinic
Classification: Benign. Last evaluated: 2022-03-10. Review status: criteria provided, single submitter. Criteria: ACMG Guidelines, 2015. Collection method: clinical testing. Allele origin: germline. Observed: 16 variant alleles.

Genome-Nilou Lab
Classification: Benign for Intellectual developmental disorder, autosomal recessive 13. Last evaluated: 2021-09-10. Review status: criteria provided, single submitter. Criteria: ACMG Guidelines, 2015. Collection method: clinical testing. Allele origin: germline. Affected: no.

GeneDx
Classification: Benign. Last evaluated: 2018-07-07. Review status: criteria provided, single submitter. Criteria: GeneDx Variant Classification Process June 2021. Collection method: clinical testing. Allele origin: germline. Affected: yes.

Ambry Genetics
Classification: Benign for Inborn genetic diseases. Last evaluated: 2016-03-11. Review status: criteria provided, single submitter. Criteria: Ambry Variant Classification Scheme 2023. Collection method: clinical testing. Allele origin: germline.

Breakthrough Genomics
Classification: Benign. Review status: criteria provided, single submitter. Criteria: ACMG Guidelines, 2015. Collection method: not provided. Allele origin: germline. Inheritance: Autosomal recessive inheritance. Affected: yes.

PreventionGenetics, part of Exact Sciences
Classification: Benign. Review status: criteria provided, single submitter. Criteria: ACMG Guidelines, 2015. Collection method: clinical testing. Allele origin: germline.

Genetic Services Laboratory, University of Chicago
Classification: Likely benign for AllHighlyPenetrant. Review status: no assertion criteria provided. Collection method: clinical testing. Allele origin: germline. Inheritance: Autosomal recessive inheritance. Not counted in ClinVar's aggregate classification.
Comment: Likely benign based on allele frequency in 1000 Genomes Project or ESP global frequency and its presence in a patient with a rare or unrelated disease phenotype. NOT Sanger confirmed.

NM_001160372.4(TRAPPC9):c.411C>T (p.Asn137=)

Gene: TRAPPC9 (trafficking protein particle complex subunit 9; minus strand). Cytogenetic location: 8q24.3.
Variant type: single nucleotide variant.
Coding change: c.411C>T on transcript NM_001160372.4 (MANE Select); coding-DNA position 411, C replaced by T.
Protein change: p.Asn137=; no amino-acid change (asparagine 137 retained).
Molecular consequence: synonymous variant. On other transcripts: non-coding transcript variant (1).
Genome position (GRCh38, 1-based): chr8:140,450,963, G>A on the plus strand (C>T on the coding strand, the complement: TRAPPC9 is on the minus strand). VCF-style: chr8-140450963-G-A. GRCh37 (hg19) VCF-style: chr8-141461062-G-A.
Other names: p.Asn235=; c.705C>T (NM_031466.7); c.411C>T, p.Asn137= (NM_001321646.2, NM_001374682.1, NM_001374683.1 and 2 more transcripts).
Identifiers: ClinVar variation 130639 (VCV000130639.32), dbSNP rs3735803, ClinGen allele CA155803.